The following is an entry in ClinVar:

ClinVar aggregate classification (germline): Likely benign. Review status: criteria provided, multiple submitters, no conflicts (2 of 4 stars). 4 submissions from 4 submitters: Likely benign (4). Last evaluated 2025-11-30.

Conditions:
Hypercholesterolemia, autosomal dominant, type B (FHCL2). Also called: Familial Hypercholesterolemia Type B; Hyperlipoproteinemia Type IIb; Familial hypercholesterolemia 2; APOB-Related Familial Hypercholesterolemia, Autosomal Dominant; APOLIPOPROTEIN B-100, FAMILIAL DEFECTIVE; APOLIPOPROTEIN B-100, FAMILIAL LIGAND-DEFECTIVE. Identifiers: MedGen C1704417, MONDO:0007751, OMIM 144010.
Familial hypobetalipoproteinemia 1. Also called: APOB-Related Familial Hypobetalipoproteinemia; Hypobetalipoproteinemia, normotriglyceridemic; Acanthocytosis with hypobetalipoproteinemia. Identifiers: MedGen C4551990, MONDO:0014252, OMIM 615558.
Cardiovascular phenotype. Identifiers: MedGen CN230736.

Allele frequency attached by ClinVar (database versions not stated): TOPMed 0.00001; gnomAD 0.00003 and 0.00004; gnomAD exomes 0.00003 and 0.00005; ExAC 0.00009.
gnomAD v4.1: 50 of 1,612,808 alleles (0.0031%); highest among the groups gnomAD compares: Non-Finnish European, 0.0038%; no homozygotes.

Submissions (4):

Labcorp Genetics (formerly Invitae), Labcorp
Classification: Likely benign for Familial hypobetalipoproteinemia 1; Hypercholesterolemia, autosomal dominant, type B. Last evaluated: 2025-11-30. Review status: criteria provided, single submitter. Criteria: Invitae Variant Classification Sherloc (09022015). Collection method: clinical testing. Allele origin: germline.

Ambry Genetics
Classification: Likely benign for Cardiovascular phenotype. Last evaluated: 2023-05-21. Review status: criteria provided, single submitter. Criteria: Ambry Variant Classification Scheme 2023. Collection method: clinical testing. Allele origin: germline.

Quest Diagnostics Nichols Institute San Juan Capistrano
Classification: Likely benign. Last evaluated: 2023-01-09. Review status: criteria provided, single submitter. Criteria: Quest Diagnostics criteria. Collection method: clinical testing. Allele origin: unknown.

CeGaT Center for Human Genetics Tuebingen
Classification: Likely benign. Last evaluated: 2022-08-01. Review status: criteria provided, single submitter. Criteria: CeGaT Center For Human Genetics Tuebingen Variant Classification Criteria Version 2. Collection method: clinical testing. Allele origin: germline. Affected: yes. Observed: 2 variant alleles.
Comment: APOB: BP4, BP7

NM_000384.3(APOB):c.4257A>G (p.Thr1419=)

Gene: APOB (apolipoprotein B; minus strand). Cytogenetic location: 2p24.1.
Variant type: single nucleotide variant.
Coding change: c.4257A>G on transcript NM_000384.3 (MANE Select); coding-DNA position 4257, A replaced by G.
Protein change: p.Thr1419=; no amino-acid change (threonine 1419 retained).
Molecular consequence: synonymous variant.
Genome position (GRCh38, 1-based): chr2:21,012,611, T>C on the plus strand (A>G on the coding strand, the complement: APOB is on the minus strand). VCF-style: chr2-21012611-T-C. GRCh37 (hg19) VCF-style: chr2-21235483-T-C.
Identifiers: ClinVar variation 630309 (VCV000630309.40), dbSNP rs778729560, ClinGen allele CA060771.